The following is an entry in ClinVar:

ClinVar aggregate classification (germline): Uncertain significance (1 of 4 stars; one submission).

Allele frequency attached by ClinVar (database versions not stated): gnomAD 0.00001; gnomAD exomes 0.00001; TOPMed 0.00001.
gnomAD v4.1: 6 of 1,597,220 alleles (0.00038%); highest among the groups gnomAD compares: Non-Finnish European, 0.00051%; no homozygotes.

Submission:

GeneDx
Classification: Uncertain significance. Last evaluated: 2021-05-27. Review status: criteria provided, single submitter. Criteria: GeneDx Variant Classification Process June 2021. Collection method: clinical testing. Allele origin: germline. Affected: yes.
Comment: Not observed at significant frequency in large population cohorts (Lek et al., 2016); In silico analysis supports that this missense variant does not alter protein structure/function; Has not been previously published as pathogenic or benign to our knowledge

NM_001009944.3(PKD1):c.3151G>T (p.Val1051Leu)

Gene: PKD1 (polycystin 1, transient receptor potential channel interacting; minus strand). Cytogenetic location: 16p13.3.
Variant type: single nucleotide variant.
Coding change: c.3151G>T on transcript NM_001009944.3 (MANE Select); coding-DNA position 3151, G replaced by T.
Protein change: p.Val1051Leu; replaces valine 1051 with leucine.
Molecular consequence: missense variant.
Genome position (GRCh38, 1-based): chr16:2,112,798, C>A on the plus strand (G>T on the coding strand, the complement: PKD1 is on the minus strand). VCF-style: chr16-2112798-C-A. GRCh37 (hg19) VCF-style: chr16-2162799-C-A.
Other names: c.3151G>T, p.Val1051Leu (NM_000296.4); short protein forms V1051L.
Identifiers: ClinVar variation 1326788 (VCV001326788.2), dbSNP rs1267565433, ClinGen allele CA394384165.
Genomic context (GRCh38, chr16:2,112,798, plus strand): 5'-CTGGGACAAGAGCCTGGTGCCCACCCCAAACCGGCCCCCGAGTCACTCACAGGAAGGCCA[C>A]CTCCACGGCCGAGTCCACCAGCACGCCCGCCGTCAGTGCTAGCGTGGCATTGGGGGACAG-3'
Protein context (NP_001009944.3, residues 1041-1061): AGVLVDSAVE[Val1051Leu]AFLWTFGDGE